The following is an entry in ClinVar:

NM_002764.4(PRPS1):c.343A>G (p.Met115Val)

Gene: PRPS1 (phosphoribosyl pyrophosphate synthetase 1; plus strand). Cytogenetic location: Xq22.3.
Variant type: single nucleotide variant.
Coding change: c.343A>G on transcript NM_002764.4 (MANE Select); coding-DNA position 343, A replaced by G.
Protein change: p.Met115Val; replaces methionine 115 with valine.
Molecular consequence: missense variant. On other transcripts: intron variant (1).
Genome position (GRCh38, 1-based): chrX:107,640,938, A>G. VCF-style: chrX-107640938-A-G. GRCh37 (hg19) VCF-style: chrX-106884168-A-G.
Other names: M115V; c.-82-4239A>G (NM_001204402.2).
Identifiers: ClinVar variation 140572 (VCV000140572.5), dbSNP rs587781262, ClinGen allele CA270659.
Genomic context (GRCh38, chrX:107,640,938, plus strand): 5'-TTTTCTTTCCTCCCCTCCATTTAGAGCCGGGCGCCAATCTCAGCCAAGCTTGTTGCAAAT[A>G]TGCTATCTGTAGCAGGTGCAGATCATATTATCACCATGGACCTACATGCTTCTCAAATTC-3'
Protein context (NP_002755.1, residues 105-125): APISAKLVAN[Met115Val]LSVAGADHII

ClinVar aggregate classification (germline): Pathogenic/Likely pathogenic. Review status: criteria provided, multiple submitters, no conflicts (2 of 4 stars). 4 submissions from 3 submitters: Pathogenic (2); Likely pathogenic (1). 1 of the submissions does not count toward it. Last evaluated 2024-03-04.

Conditions:
Hearing loss, X-linked 1 (DFNX1). Also called: DFNX1 Nonsyndromic Hearing Loss and Deafness; DEAFNESS, X-LINKED 1; DFNX1 Nonsyndromic Sensorineural Hearing Loss (DFN2); DEAFNESS, X-LINKED 2, SENSORINEURAL CONGENITAL. Identifiers: Orphanet 90625, MedGen C1844677, MONDO:0010577, OMIM 304500.
Charcot-Marie-Tooth disease X-linked recessive 5 (CMTX5). Also called: OPTIC ATROPHY, POLYNEUROPATHY, AND DEAFNESS; ROSENBERG-CHUTORIAN SYNDROME; Charcot-Marie-Tooth Neuropathy X Type 5 (CMTX5); Optic atrophy, neural deafness, and distal neurogenic amyotrophy. Identifiers: Orphanet 99014, MedGen C1839566, MONDO:0010699, OMIM 311070.

Submissions (4):

GeneDx
Classification: Likely pathogenic. Last evaluated: 2024-03-04. Review status: criteria provided, single submitter. Criteria: GeneDx Variant Classification Process June 2021. Collection method: clinical testing. Allele origin: germline. Affected: yes.
Comment: Published functional studies suggest M115V depletes enzyme activity in a dose dependent manner (PMID: 25182139); In silico analysis supports that this missense variant has a deleterious effect on protein structure/function; Not observed at significant frequency in large population cohorts (gnomAD); This variant is associated with the following publications: (PMID: 25182139, 26089585, 34803094)

Molecular Genetics and RNA Biology, University of Milan
Classification: Pathogenic for Deafness, high-frequency sensorineural, X-linked. Last evaluated: 2013-10-01. Review status: criteria provided, single submitter. Criteria: Submitter's publication. Collection method: research. Allele origin: inherited. Affected: yes.
Comment: heterozygous carrier

Molecular Genetics and RNA Biology, University of Milan
Classification: Pathogenic for Charcot-Marie-Tooth disease, X-linked recessive, type 5. Last evaluated: 2013-10-01. Review status: criteria provided, single submitter. Criteria: Submitter's publication. Collection method: research. Allele origin: inherited. Affected: yes.

OMIM
Classification: Pathogenic for CHARCOT-MARIE-TOOTH DISEASE, X-LINKED RECESSIVE, 5. Last evaluated: 2014-09-03. Review status: no assertion criteria provided. Collection method: literature only. Allele origin: germline. Not counted in ClinVar's aggregate classification.

Literature cited by the submitters: PubMed 25182139 (cited by OMIM).